The following is an entry in ClinVar:

ClinVar aggregate classification (germline): Uncertain significance. Review status: criteria provided, multiple submitters, no conflicts (2 of 4 stars). 9 submissions from 9 submitters: Uncertain significance (9). Last evaluated 2026-01-27.

Conditions:
Hereditary cancer-predisposing syndrome. Also called: Hereditary Cancer Syndrome; Hereditary neoplastic syndrome; Tumor predisposition; Neoplastic Syndromes, Hereditary. Identifiers: Orphanet 140162, MedGen C0027672, MeSH D009386, MONDO:0015356.
Hereditary breast ovarian cancer syndrome. Also called: Hereditary breast and ovarian cancer syndrome; Hereditary breast and ovarian cancer syndrome (HBOC); BRCA1- and BRCA2-Associated Hereditary Breast and Ovarian Cancer; Breast and ovarian cancer; Hereditary breast and ovarian cancer; Hereditary breast and/or ovarian cancer syndrome. Identifiers: Orphanet 145, MedGen C0677776, MeSH D061325, MONDO:0003582. Disease mechanism: loss of function.
Breast-ovarian cancer, familial, susceptibility to, 1 (BROVCA1). Also called: OVARIAN CANCER, SUSCEPTIBILITY TO; BRCA1 Hereditary Breast and Ovarian Cancer. Identifiers: Orphanet 145, MedGen C2676676, MONDO:0011450, OMIM 604370. Disease mechanism: loss of function.

gnomAD v4.1: 3 of 1,614,086 alleles (0.00019%); highest among the groups gnomAD compares: Non-Finnish European, 0.00025%; no homozygotes.

Submissions (10):

Labcorp Genetics (formerly Invitae), Labcorp
Classification: Uncertain significance for Hereditary breast ovarian cancer syndrome. Last evaluated: 2026-01-27. Review status: criteria provided, single submitter. Criteria: Invitae Variant Classification Sherloc (09022015). Collection method: clinical testing. Allele origin: germline.
Comment: This sequence change replaces arginine, which is basic and polar, with proline, which is neutral and non-polar, at codon 1835 of the BRCA1 protein (p.Arg1835Pro). This variant is present in population databases (rs273902776, gnomAD 0.002%). This missense change has been observed in individual(s) with breast and/or ovarian cancer (PMID: 11802209, 32438681). This variant is also known as 5623G>C. ClinVar contains an entry for this variant (Variation ID: 182172). Invitae Evidence Modeling incorporating data from in vitro experimental studies (PMID: 30209399) indicates that this missense variant is expected to disrupt BRCA1 function with a positive predictive value of 95%. Experimental studies are conflicting or provide insufficient evidence to determine the effect of this variant on BRCA1 function (PMID: 20516115, 21473589, 30765603). In summary, the available evidence is currently insufficient to determine the role of this variant in disease. Therefore, it has been classified as a Variant of Uncertain Significance.

Color Diagnostics, LLC DBA Color Health
Classification: Uncertain significance for Hereditary cancer-predisposing syndrome. Last evaluated: 2025-10-15. Review status: criteria provided, single submitter. Criteria: ACMG Guidelines, 2015. Collection method: clinical testing. Allele origin: germline.
Comment: This missense variant replaces arginine with proline at codon 1835 of the BRCA1 protein. Computational prediction suggests that this variant may have deleterious impact on protein structure and function. Functional studies have reported that this variant has no impact on transcriptional activation assays and that the variant protein has intermediate activity in a haploid cell proliferation assay (PMID: 20516115, 29884841, 30209399, 30765603). This variant has been reported in an individual affected with breast and/or ovarian cancer and a suspected hereditary breast and ovarian cancer family (PMID: 11802209, 32438681). Multifactorial analysis reached a combined likelihood ratio (LR) of 0.4090 based on segregation LR of 1.5836 and case-control LR of 0.2583 (PMID: 31131967, 40413188). This variant has been identified in 2/251334 chromosomes in the general population by the Genome Aggregation Database (gnomAD). The available evidence is insufficient to determine the role of this variant in disease conclusively. Therefore, this variant is classified as a Variant of Uncertain Significance.

Center for Genomic Medicine, Rigshospitalet, Copenhagen University Hospital
Classification: Uncertain significance. Last evaluated: 2025-03-04. Review status: criteria provided, single submitter. Criteria: ACMG Guidelines, 2015. Collection method: clinical testing. Allele origin: germline.

Blueprint Genetics
Classification: Uncertain significance. Last evaluated: 2024-07-17. Review status: criteria provided, single submitter. Criteria: ACMG Guidelines, 2015. Collection method: clinical testing. Allele origin: germline.

Ambry Genetics
Classification: Uncertain significance for Hereditary cancer-predisposing syndrome. Last evaluated: 2024-06-24. Review status: criteria provided, single submitter. Criteria: Ambry Variant Classification Scheme 2023. Collection method: clinical testing. Allele origin: germline.
Comment: The p.R1835P variant (also known as c.5504G>C), located in coding exon 22 of the BRCA1 gene, results from a G to C substitution at nucleotide position 5504. The arginine at codon 1835 is replaced by proline, an amino acid with dissimilar properties. This alteration has been detected in 1/989 unrelated individuals from a cohort of German breast/ovarian cancer families (Meindl A et al. Int J Cancer. 2002 Feb 1;97(4):472-80) and in 1/2351 Italian breast and/or ovarian cancer patients (Santonocito C et al. Cancers (Basel), 2020 May;12:). Functional assays on peptide binding showed compromised binding activity and specificity from one paper, while another paper showed only a modest reduction in binding (Lee MS et al. Cancer Res. 2010 Jun 15;70(12):4880-90; Coquelle N et al. Biochemistry. 2011 May 31;50(21):4579-89). A functional protease sensitivity assay showed no folding defect and a transcription assay showed normal activity (Lee MS et al. Cancer Res. 2010 Jun 15;70(12):4880-90). Additional functional studies found that this nucleotide substitution had intermediate function in a high-throughput, genome editing, haploid cell survival assay (Findlay GM et al. Nature, 2018 10;562:217-222) and had intermediate activity in a transcription activation assay (Woods NT et al. NPJ Genom Med, 2016 Mar;1:). This amino acid position is well conserved in available vertebrate species. In addition, this alteration is predicted to be deleterious by in silico analysis. Additional computational methods showed no effect on function based on structural disposition but did show an effect on function based on conservation (Williams RS et al. J Biol Chem. 2003 Dec 26;278(52):53007-16). Since supporting evidence is limited at this time, the clinical significance of this alteration remains unclear.

All of Us Research Program, National Institutes of Health
Classification: Uncertain significance for Breast-ovarian cancer, familial, susceptibility to, 1. Last evaluated: 2024-02-05. Review status: criteria provided, single submitter. Criteria: ACMG Guidelines, 2015. Collection method: clinical testing. Allele origin: germline. Inheritance: Autosomal dominant inheritance. Observed: 2 variant alleles, 2 heterozygotes.
Comment: This missense variant replaces arginine with proline at codon 1835 of the BRCA1 protein. Computational prediction suggests that this variant may not impact protein structure and function (internally defined REVEL score threshold <= 0.5, PMID: 27666373). Functional studies have reported partial impact on phospho-peptide binding assays and intermediate impact on BRCA1 function in a haploid human cell proliferation assay (PMID: 20516115, 21473589, 31131967). This variant has been reported in an individual affected with breast and/or ovarian cancer and a suspected hereditary breast and ovarian cancer family (PMID: 11802209, 32438681), and a multifactorial analysis has reported a segregation likelihood for pathogenicity of 1.5836 (PMID: 31131967). This variant has been identified in 2/251334 chromosomes in the general population by the Genome Aggregation Database (gnomAD). The available evidence is insufficient to determine the role of this variant in disease conclusively. Therefore, this variant is classified as a Variant of Uncertain Significance.

This study involves interpretation of variants in research participants for the purpose of population health screening. Participant phenotype was not available at the time of variant classification. Additional details can be found in publication PMID: 35346344, PMCID: PMC8962531

Baylor Genetics
Classification: Uncertain significance for Breast-ovarian cancer, familial, susceptibility to, 1. Last evaluated: 2023-05-26. Review status: criteria provided, single submitter. Criteria: ACMG Guidelines, 2015. Collection method: clinical testing. Allele origin: unknown.

Women's Health and Genetics/Laboratory Corporation of America, LabCorp
Classification: Uncertain significance. Last evaluated: 2018-06-26. Review status: criteria provided, single submitter. Criteria: LabCorp Variant Classification Summary - May 2015. Collection method: clinical testing. Allele origin: germline.
Comment: Variant summary: BRCA1 c.5504G>C (p.Arg1835Pro) results in a non-conservative amino acid change located in the BRCT domain (IPR001357) of the encoded protein sequence. Five of five in-silico tools predict a damaging effect of the variant on protein function. The variant allele was found at a frequency of 8.1e-06 in 246514 control chromosomes (gnomAD). The available data on variant occurrences in the general population are insufficient to allow any conclusion about variant significance. The variant, c.5504G>C, has been reported in the literature in individuals affected with Hereditary Breast and Ovarian Cancer (Meindl_2002). These report(s) do not provide unequivocal conclusions about association of the variant with Hereditary Breast and Ovarian Cancer. At least one publication reports experimental evidence evaluating an impact on protein function, however, does not allow convincing conclusions about the variant effect (Coquelle_2011, Lee_2010). One clinical diagnostic laboratory has submitted clinical-significance assessments for this variant to ClinVar after 2014 without evidence for independent evaluation and classified the variant as uncertain significance. Based on the evidence outlined above, the variant was classified as uncertain significance.

GeneDx
Classification: Uncertain significance. Last evaluated: 2014-02-17. Review status: criteria provided, single submitter. Criteria: GeneDx Variant Classification (06012015). Collection method: clinical testing. Allele origin: germline. Affected: yes.
Comment: This variant is denoted BRCA1 c.5504G>C at the cDNA level, p.Arg1835Pro (R1835P) at the protein level, and results in the change of an Arginine to a Proline (CGA>CCA). In vitro structural and functional assays showed no protein folding defect and normal transcriptional activity, but compromised peptide binding activity and specificity indicating uncertain functional significance (Lee 2010). Subsequently, Coquelle et al. (2011) suggested minimal impact on peptide binding based on structure remodeling. BRCA1 Arg1835Pro was not observed in approximately 6,500 individuals of European and African American ancestry in the NHLBI Exome Sequencing Project, indicating it is not a common benign variant in these populations. This variant is a non-conservative substitution in which a positive polar amino acid is replaced with a neutral non-polar one, altering a position that is well conserved throughout evolution and is located in the RAD51 binding domain (Roy 2012). Multiple in silico algorithms predict that this variant may be damaging to protein structure and function. Based on currently available information, it is unclear whether BRCA1 Arg1835Pro is pathogenic or benign. We consider it to be a variant of uncertain significance.

Brotman Baty Institute, University of Washington
No classification provided (evidence only). Condition: Breast-ovarian cancer, familial 1. Review status: no classification provided. Collection method: in vitro. Allele origin: not applicable. Functional consequence: function_uncertain_variant. Not counted in ClinVar's aggregate classification.
ClinVar note: "not provided" was previously submitted as the classification for the variant. However, the classification appeared to be based only on an observation of functional data so it was converted to no classification on 2025-07-30.

Literature cited by the submitters: PubMed 11802209 (cited by 4 submitters); PubMed 32438681 (cited by 4 submitters); PubMed 30209399 (cited by 3 submitters); PubMed 20516115 (cited by 4 submitters); PubMed 21473589 (cited by 3 submitters); PubMed 30765603 (cited by Labcorp Genetics (formerly Invitae), Labcorp and Color Diagnostics, LLC DBA Color Health); PubMed 29884841 (cited by Color Diagnostics, LLC DBA Color Health); PubMed 31131967 (cited by Color Diagnostics, LLC DBA Color Health and All of Us Research Program, National Institutes of Health); PubMed 40413188 (cited by Color Diagnostics, LLC DBA Color Health); PubMed 28781887 (cited by Ambry Genetics).

NM_007294.4(BRCA1):c.5504G>C (p.Arg1835Pro)

Gene: BRCA1 (BRCA1 DNA repair associated; minus strand). Cytogenetic location: 17q21.31.
Variant type: single nucleotide variant.
Coding change: c.5504G>C on transcript NM_007294.4 (MANE Select); coding-DNA position 5504, G replaced by C.
Protein change: p.Arg1835Pro; replaces arginine 1835 with proline.
Molecular consequence: missense variant. On other transcripts: 3 prime UTR variant (1), non-coding transcript variant (1).
Genome position (GRCh38, 1-based): chr17:43,045,766, C>G on the plus strand (G>C on the coding strand, the complement: BRCA1 is on the minus strand). VCF-style: chr17-43045766-C-G. GRCh37 (hg19) VCF-style: chr17-41197783-C-G.
Other names: p.R1835P:CGA>CCA; c.5570G>C, p.Arg1857Pro (NM_001407581.1, NM_001407582.1); c.5567G>C, p.Arg1856Pro (NM_001407583.1, NM_001407585.1, NM_001407587.1 and 1 more transcripts); c.5564G>C, p.Arg1855Pro (NM_001407590.1, NM_001407591.1); c.5504G>C, p.Arg1835Pro (NM_001407593.1, NM_001407594.1, NM_001407596.1 and 5 more transcripts); c.5501G>C, p.Arg1834Pro (NM_001407616.1, NM_001407617.1, NM_001407618.1 and 14 more transcripts); c.5498G>C, p.Arg1833Pro (NM_001407635.1, NM_001407636.1, NM_001407637.1 and 13 more transcripts); c.5495G>C, p.Arg1832Pro (NM_001407644.1, NM_001407645.1); and 75 more; short protein forms R1835P, R1788P, R731P, R1856P, R1539P, R1666P, R1708P, R1745P.
Identifiers: ClinVar variation 182172 (VCV000182172.31), dbSNP rs273902776, ClinGen allele CA003677.